The following is an entry in ClinVar:

NM_013382.7(POMT2):c.881A>G (p.Tyr294Cys)

Gene: POMT2 (protein O-mannosyltransferase 2; minus strand). Cytogenetic location: 14q24.3.
Variant type: single nucleotide variant.
Coding change: c.881A>G on transcript NM_013382.7 (MANE Select); coding-DNA position 881, A replaced by G.
Protein change: p.Tyr294Cys; replaces tyrosine 294 with cysteine.
Molecular consequence: missense variant.
Genome position (GRCh38, 1-based): chr14:77,299,497, T>C on the plus strand (A>G on the coding strand, the complement: POMT2 is on the minus strand). VCF-style: chr14-77299497-T-C. GRCh37 (hg19) VCF-style: chr14-77765840-T-C.
Other names: short protein forms Y294C.
Identifiers: ClinVar variation 130017 (VCV000130017.16), dbSNP rs587780423, ClinGen allele CA269781.

ClinVar aggregate classification (germline): Conflicting classifications of pathogenicity. Review status: criteria provided, conflicting classifications (1 of 4 stars). 8 submissions from 8 submitters: Pathogenic (1); Likely pathogenic (6); Uncertain significance (1). Last evaluated 2025-11-12.

Conditions:
POMT2-related disorder. Also called: POMT2-related condition.
Muscular dystrophy-dystroglycanopathy (congenital with brain and eye anomalies), type A2. Also called: WALKER-WARBURG SYNDROME OR MUSCLE-EYE-BRAIN DISEASE, POMT2-RELATED; MUSCULAR DYSTROPHY-DYSTROGLYCANOPATHY (CONGENITAL WITH BRAIN AND EYE ANOMALIES), TYPE A, 2. Identifiers: Orphanet 588, Orphanet 899, MedGen C3150411, MONDO:0013154, OMIM 613150.
Muscular dystrophy-dystroglycanopathy (congenital with impaired intellectual development), type B, 2. Also called: MUSCULAR DYSTROPHY, CONGENITAL, POMT2-RELATED; Muscular dystrophy-dystroglycanopathy (congenital with intellectual disability), type B2. Identifiers: MedGen C3150416, MONDO:0013160, OMIM 613156.
Autosomal recessive limb-girdle muscular dystrophy type 2N. Also called: MUSCULAR DYSTROPHY-DYSTROGLYCANOPATHY, LIMB-GIRDLE, POMT2-RELATED; Muscular dystrophy-dystroglycanopathy (limb-girdle), type C, 2. Identifiers: Orphanet 206559, MedGen C3150418, MONDO:0013162, OMIM 613158.
Autosomal recessive limb-girdle muscular dystrophy. Identifiers: Orphanet 102015, MedGen C2931907, MONDO:0015152.

Allele frequency attached by ClinVar (database versions not stated): gnomAD exomes below 0.00001; gnomAD 0.00002; TOPMed 0.00002.
gnomAD v4.1: 10 of 1,614,010 alleles (0.00062%); highest among the groups gnomAD compares: South Asian, 0.0022%; no homozygotes.

Submissions (8):

Dasa
Classification: Likely pathogenic. Last evaluated: 2025-11-12. Review status: criteria provided, single submitter. Criteria: DASA Assertion Criteria. Collection method: clinical testing. Allele origin: germline.
Comment: NM_013382.7(POMT2):c.881A>G (p.Tyr294Cys) is a missense variant that results in the substitution of tyrosine with cysteine. Segregation data support an association with disease in the reported family/families (PMID: 27457812). This variant has been reported in individuals with POMT2-related disorders (PMID: 27457812). Also, this variant is rare in population databases. Computational evidence supports a deleterious effect. Based on the currently available evidence, this variant is classified as likely pathogenic.

Revvity Omics, Revvity
Classification: Uncertain significance. Last evaluated: 2024-10-01. Review status: criteria provided, single submitter. Criteria: ACMG Guidelines, 2015. Collection method: clinical testing. Allele origin: germline.

Fulgent Genetics
Classification: Likely pathogenic for Muscular dystrophy-dystroglycanopathy (congenital with brain and eye anomalies), type A2; Muscular dystrophy-dystroglycanopathy (congenital with impaired intellectual development), type B, 2; Autosomal recessive limb-girdle muscular dystrophy type 2N. Last evaluated: 2024-03-28. Review status: criteria provided, single submitter. Criteria: ACMG Guidelines, 2015. Collection method: clinical testing. Allele origin: germline.

Baylor Genetics
Classification: Likely pathogenic for Muscular dystrophy-dystroglycanopathy (congenital with brain and eye anomalies), type A2. Last evaluated: 2023-10-24. Review status: criteria provided, single submitter. Criteria: ACMG Guidelines, 2015. Collection method: clinical testing. Allele origin: unknown.

Blueprint Genetics
Classification: Pathogenic for POMT2-related disorders. Last evaluated: 2023-08-14. Review status: criteria provided, single submitter. Criteria: ACMG Guidelines, 2015. Collection method: clinical testing. Allele origin: germline. Affected: yes. Observed: 1 variant allele.

Women's Health and Genetics/Laboratory Corporation of America, LabCorp
Classification: Likely pathogenic for Autosomal recessive limb-girdle muscular dystrophy. Last evaluated: 2021-10-19. Review status: criteria provided, single submitter. Criteria: LabCorp Variant Classification Summary - May 2015. Collection method: clinical testing. Allele origin: germline.
Comment: Variant summary: POMT2 c.881A>G (p.Tyr294Cys) results in a non-conservative amino acid change located in the Glycosyl transferase family 39/83 domain (IPR003342) of the encoded protein sequence. Five of five in-silico tools predict a damaging effect of the variant on protein function. The variant allele was found at a frequency of 4e-06 in 251434 control chromosomes (gnomAD). c.881A>G has been reported in the literature in at least one individual affected with Limb-Girdle Muscular Dystrophy, Autosomal Recessive (Song_2021). Furthermore, the variant was reported in 4 homozygous individuals from a consanguineous family with features of moderate to severe intellectual disability with speech delay, hyperdontia, moderate hypotonia and scoliosis (Riazuddin_2017). These data indicate that the variant is likely to be associated with disease. To our knowledge, no experimental evidence demonstrating an impact on protein function has been reported. A ClinVar submitter (evaluation after 2014) cites the variant as likely pathogenic. Based on the evidence outlined above, the variant was classified as likely pathogenic.

GeneDx
Classification: Likely pathogenic. Last evaluated: 2017-06-15. Review status: criteria provided, single submitter. Criteria: GeneDx Variant Classification (06012015). Collection method: clinical testing. Allele origin: germline. Affected: yes.
Comment: A likely pathogenic variant has been identified in the POMT2 gene. The Y294C variant has recently been reported in the homozygous state in multiple individuals with hypotonia, scoliosis, intellectual disability, and hyperdontia in a consanguineous family in the published literature (Riazuddin et al., 2016). It was not observed in approximately 6,500 individuals of European and African American ancestry in the NHLBI Exome Sequencing Project, indicating it is not a common benign variant in these populations. The Y294C variant is a non-conservative amino acid substitution, which is likely to impact secondary protein structure as these residues differ in polarity, charge, size and/or other properties. This substitution occurs at a position that is conserved across species, and in silico analysis predicts this variant is probably damaging to the protein structure/function. However, missense variants in nearby residues have not been reported in the Human Gene Mutation Database in association with POMT2-related disorders (Stenson et al., 2014). Therefore, the R294C variant is now classified as a likely pathogenic variant.

Genetic Services Laboratory, University of Chicago
Classification: Likely pathogenic for Muscular dystrophy-dystroglycanopathy (limb-girdle), type C, 2. Last evaluated: 2014-02-18. Review status: criteria provided, single submitter. Criteria: ACMG Guidelines, 2007. Collection method: clinical testing. Allele origin: germline. Inheritance: Autosomal recessive inheritance. Affected: yes.

Literature cited by the submitters: PubMed 27457812 (cited by Dasa and Women's Health and Genetics/Laboratory Corporation of America, LabCorp); PubMed 33200426 (cited by Women's Health and Genetics/Laboratory Corporation of America, LabCorp).